The following is an entry in ClinVar:

NM_015509.4(NECAP1):c.8C>G (p.Thr3Ser)

Genes: NECAP1 (NECAP endocytosis associated 1; plus strand), LOC126861440 (MED14-independent group 3 enhancer GRCh37_chr12:8234132-8235331; plus strand). Cytogenetic location: 12p13.31.
Variant type: single nucleotide variant.
Coding change: c.8C>G on transcript NM_015509.4 (MANE Select); coding-DNA position 8, C replaced by G.
Protein change: p.Thr3Ser; replaces threonine 3 with serine.
Molecular consequence: missense variant. On other transcripts: non-coding transcript variant (1).
Genome position (GRCh38, 1-based): chr12:8,082,296, C>G. VCF-style: chr12-8082296-C-G. GRCh37 (hg19) VCF-style: chr12-8234892-C-G.
Other names: short protein forms T3S.
Identifiers: ClinVar variation 1951875 (VCV001951875.2), dbSNP rs371695426, ClinGen allele CA6432130.
Genomic context (GRCh38, chr12:8,082,296, plus strand): 5'-CTCCGCCTCCGGTCTTACGTTTCGCCCCCGGCAGCGCCGACAGCGGACCCAAGATGGCGA[C>G]CGAGTTGGAGTACGAGTCTGTGCTGTGTGTGAAGCCAGACGTCAGCGTCTACCGGATTCC-3'
Protein context (NP_056324.2, residues 1-13): MA[Thr3Ser]ELEYESVLCV

ClinVar aggregate classification (germline): Uncertain significance (1 of 4 stars; one submission).

Conditions:
Developmental and epileptic encephalopathy, 21 (DEE21). Also called: Early infantile epileptic encephalopathy 21. Identifiers: Orphanet 442835, MedGen C4014430, MONDO:0014360, OMIM 615833.

Allele frequency attached by ClinVar (database versions not stated): gnomAD exomes 0.00001; TOPMed 0.00002; ExAC 0.00003; gnomAD 0.00003; ESP Exome Variant Server 0.00008.

Submission:

Labcorp Genetics (formerly Invitae), Labcorp
Classification: Uncertain significance for Developmental and epileptic encephalopathy, 21. Last evaluated: 2022-07-30. Review status: criteria provided, single submitter. Criteria: Invitae Variant Classification Sherloc (09022015). Collection method: clinical testing. Allele origin: germline.
Comment: This sequence change replaces threonine, which is neutral and polar, with serine, which is neutral and polar, at codon 3 of the NECAP1 protein (p.Thr3Ser). This variant is present in population databases (rs371695426, gnomAD 0.002%). This variant has not been reported in the literature in individuals affected with NECAP1-related conditions. Algorithms developed to predict the effect of missense changes on protein structure and function output the following: SIFT: "Not Available"; PolyPhen-2: "Benign"; Align-GVGD: "Not Available". The serine amino acid residue is found in multiple mammalian species, which suggests that this missense change does not adversely affect protein function. In summary, the available evidence is currently insufficient to determine the role of this variant in disease. Therefore, it has been classified as a Variant of Uncertain Significance.